The following is an entry in ClinVar:

ClinVar aggregate classification (germline): Uncertain significance (1 of 4 stars; one submission).

Conditions:
Pitt-Hopkins-like syndrome 2 (PTHSL2). Identifiers: Orphanet 221150, Orphanet 600663, MedGen C3280479, MONDO:0013690, OMIM 614325.

Allele frequency attached by ClinVar (database versions not stated): gnomAD 0.00001.
gnomAD v4.1: 1 of 1,613,396 alleles (0.000062%); highest among the groups gnomAD compares: African/African-American, 0.0013%; no homozygotes.

Submission:

Labcorp Genetics (formerly Invitae), Labcorp
Classification: Uncertain significance for Pitt-Hopkins-like syndrome 2. Last evaluated: 2022-08-09. Review status: criteria provided, single submitter. Criteria: Invitae Variant Classification Sherloc (09022015). Collection method: clinical testing. Allele origin: germline.
Comment: In summary, the available evidence is currently insufficient to determine the role of this variant in disease. Therefore, it has been classified as a Variant of Uncertain Significance. Experimental studies and prediction algorithms are not available or were not evaluated, and the functional significance of this variant is currently unknown. ClinVar contains an entry for this variant (Variation ID: 858419). This variant has not been reported in the literature in individuals affected with NRXN1-related conditions. This variant is not present in population databases (gnomAD no frequency). This sequence change creates a premature translational stop signal (p.Arg1450*) in the NRXN1 gene. While this is not anticipated to result in nonsense mediated decay, it is expected to disrupt the last 98 amino acid(s) of the NRXN1 protein.

NM_001330078.2(NRXN1):c.4228C>T (p.Arg1410Ter)

Gene: NRXN1 (neurexin 1; minus strand). Cytogenetic location: 2p16.3.
Variant type: single nucleotide variant.
Coding change: c.4228C>T on transcript NM_001330078.2 (MANE Select); coding-DNA position 4228, C replaced by T.
Protein change: p.Arg1410Ter; replaces arginine 1410 with a stop codon.
Molecular consequence: nonsense.
Genome position (GRCh38, 1-based): chr2:49,922,240, G>A on the plus strand (C>T on the coding strand, the complement: NRXN1 is on the minus strand). VCF-style: chr2-49922240-G-A. GRCh37 (hg19) VCF-style: chr2-50149378-G-A.
Other names: c.4348C>T, p.Arg1450Ter (NM_001135659.3); c.133C>T, p.Arg45Ter (NM_001320156.4); c.124C>T, p.Arg42Ter (NM_001320157.4); c.4204C>T, p.Arg1402Ter (NM_001330077.2); c.4195C>T, p.Arg1399Ter (NM_001330082.2); c.4063C>T, p.Arg1355Ter (NM_001330083.2); c.4162C>T, p.Arg1388Ter (NM_001330084.2); c.4201C>T, p.Arg1401Ter (NM_001330085.2); and 12 more; short protein forms R1350*, R1380*, R1388*, R1343*, R1363*, R1409*, R1410*, R1450*.
Identifiers: ClinVar variation 858419 (VCV000858419.7), dbSNP rs201234188, ClinGen allele CA346818799.